The following is an entry in ClinVar:

ClinVar aggregate classification (germline): Uncertain significance (1 of 4 stars; one submission).

gnomAD v4.1: 12 of 1,512,198 alleles (0.00079%); highest among the groups gnomAD compares: Middle Eastern, 0.017%; no homozygotes.

Submission:

CeGaT Center for Human Genetics Tuebingen
Classification: Uncertain significance. Last evaluated: 2024-11-01. Review status: criteria provided, single submitter. Criteria: CeGaT Center For Human Genetics Tuebingen Variant Classification Criteria Version 2. Collection method: clinical testing. Allele origin: germline. Affected: yes. Observed: 1 variant allele.
Comment: GNAL: PP2

NM_182978.4(GNAL):c.194G>C (p.Arg65Pro)

Gene: GNAL (G protein subunit alpha L; plus strand). Cytogenetic location: 18p11.21.
Variant type: single nucleotide variant.
Coding change: c.194G>C on transcript NM_182978.4 (MANE Select); coding-DNA position 194, G replaced by C.
Protein change: p.Arg65Pro; replaces arginine 65 with proline.
Molecular consequence: missense variant.
Genome position (GRCh38, 1-based): chr18:11,689,757, G>C. VCF-style: chr18-11689757-G-C. GRCh37 (hg19) VCF-style: chr18-11689756-G-C.
Other names: short protein forms R65P.
Identifiers: ClinVar variation 3388306 (VCV003388306.14).